The following is an entry in ClinVar:

ClinVar aggregate classification (germline): Uncertain significance. Review status: criteria provided, multiple submitters, no conflicts (2 of 4 stars). 3 submissions from 3 submitters: Uncertain significance (3). Last evaluated 2025-03-17.

Conditions:
Hyperkalemic periodic paralysis. Also called: Gamstorp disease; Familial hyperkalemic periodic paralysis. Identifiers: Orphanet 682, MedGen C0238357, MONDO:0008224, OMIM 170500, HP:0007215.

Allele frequency attached by ClinVar (database versions not stated): gnomAD exomes 0.00001; TOPMed 0.00001; ExAC 0.00002; gnomAD 0.00002.
gnomAD v4.1: 21 of 1,613,888 alleles (0.0013%); highest among the groups gnomAD compares: Admixed American, 0.0033%; no homozygotes.

Submissions (3):

Labcorp Genetics (formerly Invitae), Labcorp
Classification: Uncertain significance for Hyperkalemic periodic paralysis. Last evaluated: 2025-03-17. Review status: criteria provided, single submitter. Criteria: Invitae Variant Classification Sherloc (09022015). Collection method: clinical testing. Allele origin: germline.
Comment: This sequence change replaces alanine, which is neutral and non-polar, with threonine, which is neutral and polar, at codon 1406 of the SCN4A protein (p.Ala1406Thr). This variant is present in population databases (rs774364108, gnomAD 0.006%). This missense change has been observed in individual(s) with autosomal recessive congenital myopathy (PMID: 38571618). ClinVar contains an entry for this variant (Variation ID: 543798). Invitae Evidence Modeling of protein sequence and biophysical properties (such as structural, functional, and spatial information, amino acid conservation, physicochemical variation, residue mobility, and thermodynamic stability) indicates that this missense variant is expected to disrupt SCN4A protein function with a positive predictive value of 95%. In summary, the available evidence is currently insufficient to determine the role of this variant in disease. Therefore, it has been classified as a Variant of Uncertain Significance.

Revvity Omics, Revvity
Classification: Uncertain significance. Last evaluated: 2024-09-18. Review status: criteria provided, single submitter. Criteria: ACMG Guidelines, 2015. Collection method: clinical testing. Allele origin: germline.

ARUP Laboratories, Molecular Genetics and Genomics, ARUP Laboratories
Classification: Uncertain significance. Last evaluated: 2019-06-27. Review status: criteria provided, single submitter. Criteria: ARUP Molecular Germline Variant Investigation Process. Collection method: clinical testing. Allele origin: germline.

Literature cited by the submitters: PubMed 38571618 (cited by Labcorp Genetics (formerly Invitae), Labcorp).

NM_000334.4(SCN4A):c.4216G>A (p.Ala1406Thr)

Genes: GH-LCR (growth hormone locus control region; plus strand), SCN4A (sodium voltage-gated channel alpha subunit 4; minus strand). Cytogenetic location: 17q23.3.
Variant type: single nucleotide variant.
Coding change: c.4216G>A on transcript NM_000334.4 (MANE Select); coding-DNA position 4216, G replaced by A.
Protein change: p.Ala1406Thr; replaces alanine 1406 with threonine.
Molecular consequence: missense variant.
Genome position (GRCh38, 1-based): chr17:63,942,898, C>T on the plus strand (G>A on the coding strand, the complement: SCN4A is on the minus strand). VCF-style: chr17-63942898-C-T. GRCh37 (hg19) VCF-style: chr17-62020258-C-T.
Other names: short protein forms A1406T.
Identifiers: ClinVar variation 543798 (VCV000543798.18), dbSNP rs774364108, ClinGen allele CA8709037.